The following is an entry in ClinVar:

NM_031220.4(PITPNM3):c.1841C>A (p.Ala614Asp)

Gene: PITPNM3 (PITPNM family member 3; minus strand). Cytogenetic location: 17p13.2.
Variant type: single nucleotide variant.
Coding change: c.1841C>A on transcript NM_031220.4 (MANE Select); coding-DNA position 1841, C replaced by A.
Protein change: p.Ala614Asp; replaces alanine 614 with aspartic acid.
Molecular consequence: missense variant.
Genome position (GRCh38, 1-based): chr17:6,468,274, G>T on the plus strand (C>A on the coding strand, the complement: PITPNM3 is on the minus strand). VCF-style: chr17-6468274-G-T. GRCh37 (hg19) VCF-style: chr17-6371594-G-T.
Other names: c.1733C>A, p.Ala578Asp (NM_001165966.2); short protein forms A614D, A578D.
Identifiers: ClinVar variation 3693703 (VCV003693703.2).

ClinVar aggregate classification (germline): Uncertain significance (1 of 4 stars; one submission).

Submission:

Labcorp Genetics (formerly Invitae), Labcorp
Classification: Uncertain significance. Last evaluated: 2024-05-26. Review status: criteria provided, single submitter. Criteria: Invitae Variant Classification Sherloc (09022015). Collection method: clinical testing. Allele origin: germline.
Comment: This sequence change replaces alanine, which is neutral and non-polar, with aspartic acid, which is acidic and polar, at codon 614 of the PITPNM3 protein (p.Ala614Asp). This variant is not present in population databases (gnomAD no frequency). This variant has not been reported in the literature in individuals affected with PITPNM3-related conditions. Advanced modeling of protein sequence and biophysical properties (such as structural, functional, and spatial information, amino acid conservation, physicochemical variation, residue mobility, and thermodynamic stability) performed at Invitae indicates that this missense variant is not expected to disrupt PITPNM3 protein function with a negative predictive value of 80%. In summary, the available evidence is currently insufficient to determine the role of this variant in disease. Therefore, it has been classified as a Variant of Uncertain Significance.